The following is an entry in ClinVar:

NM_006929.5(SKIC2):c.3134C>A (p.Ser1045Ter)

Gene: SKIC2 (SKI2 subunit of superkiller complex; plus strand). Cytogenetic location: 6p21.33.
Variant type: single nucleotide variant.
Coding change: c.3134C>A on transcript NM_006929.5 (MANE Select); coding-DNA position 3134, C replaced by A.
Protein change: p.Ser1045Ter; replaces serine 1045 with a stop codon.
Molecular consequence: nonsense.
Genome position (GRCh38, 1-based): chr6:31,968,750, C>A. VCF-style: chr6-31968750-C-A. GRCh37 (hg19) VCF-style: chr6-31936527-C-A.
Other names: short protein forms S1045*.
Identifiers: ClinVar variation 1343627 (VCV001343627.3), dbSNP rs200271795, ClinGen allele CA3729981.

ClinVar aggregate classification (germline): Pathogenic/Likely pathogenic. Review status: criteria provided, multiple submitters, no conflicts (2 of 4 stars). 2 submissions from 2 submitters: Pathogenic (1); Likely pathogenic (1). Last evaluated 2025-07-30.

Conditions:
Trichohepatoenteric syndrome. Also called: Syndromic diarrhea; Tricho-hepato-enteric syndrome; THE SYNDROME. Identifiers: Orphanet 84064, MedGen C1857276, MONDO:0009105.

Allele frequency attached by ClinVar (database versions not stated): ExAC 0.00001; ESP Exome Variant Server 0.00012.

Submissions (2):

Labcorp Genetics (formerly Invitae), Labcorp
Classification: Pathogenic. Last evaluated: 2025-07-30. Review status: criteria provided, single submitter. Criteria: Invitae Variant Classification Sherloc (09022015). Collection method: clinical testing. Allele origin: germline.
Comment: This sequence change creates a premature translational stop signal (p.Ser1045*) in the SKIV2L gene. It is expected to result in an absent or disrupted protein product. Loss-of-function variants in SKIV2L are known to be pathogenic (PMID: 22444670). This variant is present in population databases (rs200271795, gnomAD 0.007%). This variant has not been reported in the literature in individuals affected with SKIV2L-related conditions. ClinVar contains an entry for this variant (Variation ID: 1343627). Algorithms developed to predict the effect of sequence changes on RNA splicing suggest that this variant may disrupt the consensus splice site. For these reasons, this variant has been classified as Pathogenic.

Women's Health and Genetics/Laboratory Corporation of America, LabCorp
Classification: Likely pathogenic for Trichohepatoenteric syndrome. Last evaluated: 2022-02-03. Review status: criteria provided, single submitter. Criteria: LabCorp Variant Classification Summary - May 2015. Collection method: clinical testing. Allele origin: germline.
Comment: Variant summary: SKIV2L c.3134C>A (p.Ser1045X) results in a premature termination codon, predicted to cause a truncation of the encoded protein or absence of the protein due to nonsense mediated decay, which are commonly known mechanisms for disease. Truncations downstream of this position have been classified as pathogenic or likely pathogenic in ClinVar database. The variant allele was found at a frequency of 4.1e-06 in 246472 control chromosomes (gnomAD). To our knowledge, no occurrence of c.3134C>A in individuals affected with Trichohepatoenteric Syndrome and no experimental evidence demonstrating its impact on protein function have been reported. No clinical diagnostic laboratories have submitted clinical-significance assessments for this variant to ClinVar after 2014. Based on the evidence outlined above, the variant was classified as likely pathogenic.

Literature cited by the submitters: PubMed 22444670 (cited by Labcorp Genetics (formerly Invitae), Labcorp).